The following is an entry in ClinVar:

NM_001174150.2(ARL13B):c.506C>T (p.Ser169Leu)

Gene: ARL13B (ARF like GTPase 13B; plus strand). Cytogenetic location: 3q11.2.
Variant type: single nucleotide variant.
Coding change: c.506C>T on transcript NM_001174150.2 (MANE Select); coding-DNA position 506, C replaced by T.
Protein change: p.Ser169Leu; replaces serine 169 with leucine.
Molecular consequence: missense variant. On other transcripts: non-coding transcript variant (2).
Genome position (GRCh38, 1-based): chr3:94,036,571, C>T. VCF-style: chr3-94036571-C-T. GRCh37 (hg19) VCF-style: chr3-93755415-C-T.
Other names: c.197C>T, p.Ser66Leu (NM_001174151.2); c.461C>T, p.Ser154Leu (NM_001321328.2); c.185C>T, p.Ser62Leu (NM_144996.4); c.506C>T, p.Ser169Leu (NM_182896.3); short protein forms S154L, S169L, S66L, S62L.
Identifiers: ClinVar variation 862035 (VCV000862035.8), dbSNP rs376359647, ClinGen allele CA2504087.

ClinVar aggregate classification (germline): Conflicting classifications of pathogenicity. Review status: criteria provided, conflicting classifications (1 of 4 stars). 5 submissions from 5 submitters: Uncertain significance (4); Likely benign (1). Last evaluated 2024-09-27.

Conditions:
Joubert syndrome 8 (JBTS8). Identifiers: Orphanet 475, MedGen C2676771, MONDO:0012855, OMIM 612291.

Allele frequency attached by ClinVar (database versions not stated): gnomAD 0.00004 and 0.00008; TOPMed 0.00007; ESP Exome Variant Server 0.00008; gnomAD exomes 0.00014 and 0.00023; 1000 Genomes Project 30x 0.00016; 1000 Genomes Project 0.00020; ExAC 0.00022.
gnomAD v4.1: 211 of 1,613,798 alleles (0.013%); highest among the groups gnomAD compares: South Asian, 0.2%; 3 homozygotes.

Submissions (5):

Blueprint Genetics
Classification: Likely benign. Last evaluated: 2024-09-27. Review status: criteria provided, single submitter. Criteria: ACMG Guidelines, 2015. Collection method: clinical testing. Allele origin: germline.

Labcorp Genetics (formerly Invitae), Labcorp
Classification: Uncertain significance for Joubert syndrome 8. Last evaluated: 2024-01-23. Review status: criteria provided, single submitter. Criteria: Invitae Variant Classification Sherloc (09022015). Collection method: clinical testing. Allele origin: germline.
Comment: This sequence change replaces serine, which is neutral and polar, with leucine, which is neutral and non-polar, at codon 169 of the ARL13B protein (p.Ser169Leu). This variant is present in population databases (rs376359647, gnomAD 0.2%). This variant has not been reported in the literature in individuals affected with ARL13B-related conditions. ClinVar contains an entry for this variant (Variation ID: 862035). Advanced modeling of protein sequence and biophysical properties (such as structural, functional, and spatial information, amino acid conservation, physicochemical variation, residue mobility, and thermodynamic stability) performed at Invitae indicates that this missense variant is not expected to disrupt ARL13B protein function with a negative predictive value of 80%. In summary, the available evidence is currently insufficient to determine the role of this variant in disease. Therefore, it has been classified as a Variant of Uncertain Significance.

Clinical Genetics Laboratory, Skane University Hospital Lund
Classification: Uncertain significance. Last evaluated: 2022-05-27. Review status: criteria provided, single submitter. Criteria: ACMG Guidelines, 2015. Collection method: clinical testing. Allele origin: germline. Affected: yes.

Fulgent Genetics
Classification: Uncertain significance for Joubert syndrome 8. Last evaluated: 2021-11-18. Review status: criteria provided, single submitter. Criteria: ACMG Guidelines, 2015. Collection method: clinical testing. Allele origin: unknown.

Breakthrough Genomics
Classification: Uncertain significance. Review status: criteria provided, single submitter. Criteria: ACMG Guidelines, 2015. Collection method: not provided. Allele origin: germline. Inheritance: Autosomal recessive inheritance. Affected: yes.